The following is an entry in ClinVar:

ClinVar aggregate classification (germline): Uncertain significance (1 of 4 stars; one submission).

Allele frequency attached by ClinVar (database versions not stated): gnomAD exomes below 0.00001; TOPMed below 0.00001; gnomAD 0.00001; ExAC 0.00002.
gnomAD v4.1: 2 of 1,611,648 alleles (0.00012%); highest among the groups gnomAD compares: Non-Finnish European, 0.00017%; no homozygotes.

Submission:

Ambry Genetics
Classification: Uncertain significance. Last evaluated: 2023-11-23. Review status: criteria provided, single submitter. Criteria: Ambry Variant Classification Scheme 2023. Collection method: clinical testing. Allele origin: germline.
Comment: The p.V79L variant (also known as c.235G>C), located in coding exon 1 of the MNDA gene, results from a G to C substitution at nucleotide position 235. The valine at codon 79 is replaced by leucine, an amino acid with highly similar properties. This amino acid position is conserved. In addition, this alteration is predicted to be tolerated by in silico analysis. Since supporting evidence is limited at this time, the clinical significance of this alteration remains unclear.

NM_002432.3(MNDA):c.235G>C (p.Val79Leu)

Gene: MNDA (myeloid cell nuclear differentiation antigen; plus strand). Cytogenetic location: 1q23.1.
Variant type: single nucleotide variant.
Coding change: c.235G>C on transcript NM_002432.3 (MANE Select); coding-DNA position 235, G replaced by C.
Protein change: p.Val79Leu; replaces valine 79 with leucine.
Molecular consequence: missense variant.
Genome position (GRCh38, 1-based): chr1:158,842,388, G>C. VCF-style: chr1-158842388-G-C. GRCh37 (hg19) VCF-style: chr1-158812178-G-C.
Other names: short protein forms V79L.
Identifiers: ClinVar variation 1790142 (VCV001790142.2), dbSNP rs767514139, ClinGen allele CA1185519.
Genomic context (GRCh38, chr1:158,842,388, plus strand): 5'-GTTGCCTGTCTAGACAAACTAATAGAACTTGCCAAAGATATGCCATCACTTAAAAACCTT[G>C]TTAACAATCTTCGAAAAGAGAAGTCAAAAGGTAATAGAGAAAACCTTGCACATAGCTACT-3'
Protein context (NP_002423.1, residues 69-89): AKDMPSLKNL[Val79Leu]NNLRKEKSKV